The following is an entry in ClinVar:

NM_000051.4(ATM):c.7122A>T (p.Glu2374Asp)

Genes: ATM (ATM serine/threonine kinase; plus strand), C11orf65 (chromosome 11 open reading frame 65; minus strand). Cytogenetic location: 11q22.3.
Variant type: single nucleotide variant.
Coding change: c.7122A>T on transcript NM_000051.4 (MANE Select); coding-DNA position 7122, A replaced by T.
Protein change: p.Glu2374Asp; replaces glutamic acid 2374 with aspartic acid.
Molecular consequence: missense variant. On other transcripts: intron variant (2).
Genome position (GRCh38, 1-based): chr11:108,329,053, A>T. VCF-style: chr11-108329053-A-T. GRCh37 (hg19) VCF-style: chr11-108199780-A-T.
Other names: c.7122A>T, p.Glu2374Asp (NM_001351834.2); c.641-19982T>A (NM_001330368.2); c.*38+6167T>A (NM_001351110.2); short protein forms E2374D.
Identifiers: ClinVar variation 1385811 (VCV001385811.8), dbSNP rs376159946, ClinGen allele CA382559445.
Genomic context (GRCh38, chr11:108,329,053, plus strand): 5'-AATTTAAATTGGTTGTGTTTTCTTGAAGGCAGTAGAAGTTGCTGGAAATTATGATGGAGA[A>T]AGTAGTGATGAGCTAAGAAATGGAAAAATGAAGGCATTTCTCTCATTAGCCCGGTTTTCA-3'
Protein context (NP_000042.3, residues 2364-2384): AVEVAGNYDG[Glu2374Asp]SSDELRNGKM

ClinVar aggregate classification (germline): Conflicting classifications of pathogenicity. Review status: criteria provided, conflicting classifications (1 of 4 stars). 2 submissions from 2 submitters: Uncertain significance (1); Likely benign (1). Last evaluated 2024-04-25.

Conditions:
Hereditary cancer-predisposing syndrome. Also called: Tumor predisposition; Neoplastic Syndromes, Hereditary; Hereditary Cancer Syndrome; Hereditary neoplastic syndrome. Identifiers: Orphanet 140162, MedGen C0027672, MeSH D009386, MONDO:0015356.
Ataxia-telangiectasia syndrome (AT). Also called: Ataxia-telangiectasia; LOUIS-BAR SYNDROME; Ataxia-telangiectasia, complementation group D; AT, COMPLEMENTATION GROUP C; ATAXIA-TELANGIECTASIA, COMPLEMENTATION GROUP A; ATAXIA-TELANGIECTASIA, FRESNO VARIANT. Identifiers: Orphanet 100, MedGen C0004135, MONDO:0008840, OMIM 208900.

Submissions (2):

Ambry Genetics
Classification: Likely benign for Hereditary cancer-predisposing syndrome. Last evaluated: 2024-04-25. Review status: criteria provided, single submitter. Criteria: Ambry Variant Classification Scheme 2023. Collection method: clinical testing. Allele origin: germline.

Labcorp Genetics (formerly Invitae), Labcorp
Classification: Uncertain significance for Ataxia-telangiectasia syndrome. Last evaluated: 2024-04-08. Review status: criteria provided, single submitter. Criteria: Invitae Variant Classification Sherloc (09022015). Collection method: clinical testing. Allele origin: germline.
Comment: This sequence change replaces glutamic acid, which is acidic and polar, with aspartic acid, which is acidic and polar, at codon 2374 of the ATM protein (p.Glu2374Asp). This variant is not present in population databases (gnomAD no frequency). This missense change has been observed in individual(s) with ATM-related conditions (PMID: 27978560, 35047863). ClinVar contains an entry for this variant (Variation ID: 1385811). An algorithm developed to predict the effect of missense changes on protein structure and function (PolyPhen-2) suggests that this variant is likely to be tolerated. In summary, the available evidence is currently insufficient to determine the role of this variant in disease. Therefore, it has been classified as a Variant of Uncertain Significance.

Literature cited by the submitters: PubMed 27978560 (cited by Labcorp Genetics (formerly Invitae), Labcorp); PubMed 35047863 (cited by Labcorp Genetics (formerly Invitae), Labcorp).